The following is an entry in ClinVar:

NM_001453.3(FOXC1):c.1029G>A (p.Gly343=)

Gene: FOXC1 (forkhead box C1; plus strand). Cytogenetic location: 6p25.3.
Variant type: single nucleotide variant.
Coding change: c.1029G>A on transcript NM_001453.3 (MANE Select); coding-DNA position 1029, G replaced by A.
Protein change: p.Gly343=; no amino-acid change (glycine 343 retained).
Molecular consequence: synonymous variant.
Genome position (GRCh38, 1-based): chr6:1,611,474, G>A. VCF-style: chr6-1611474-G-A. GRCh37 (hg19) VCF-style: chr6-1611709-G-A.
Identifiers: ClinVar variation 2875978 (VCV002875978.4), dbSNP rs1050152483, ClinGen allele CA133390890.

ClinVar aggregate classification (germline): Likely benign. Review status: criteria provided, multiple submitters, no conflicts (2 of 4 stars). 2 submissions from 2 submitters: Likely benign (2). Last evaluated 2026-07-01.

Conditions:
Axenfeld-Rieger syndrome type 3 (RIEG3). Also called: AXENFELD-RIEGER ANOMALY WITH CARDIAC DEFECTS AND/OR SENSORINEURAL HEARING LOSS. Identifiers: Orphanet 782, MedGen C2678503, MONDO:0011233, OMIM 602482.

Allele frequency attached by ClinVar (database versions not stated): TOPMed 0.00004; gnomAD 0.00006; gnomAD exomes 0.00020.

Submissions (2):

CeGaT Center for Human Genetics Tuebingen
Classification: Likely benign. Last evaluated: 2026-07-01. Review status: criteria provided, single submitter. Criteria: CeGaT Center For Human Genetics Tuebingen Variant Classification Criteria Version 2. Collection method: clinical testing. Allele origin: germline. Affected: yes. Observed: 1 variant allele.
Comment: FOXC1: BP4, BP7

Labcorp Genetics (formerly Invitae), Labcorp
Classification: Likely benign for Axenfeld-Rieger syndrome type 3. Last evaluated: 2023-10-24. Review status: criteria provided, single submitter. Criteria: Invitae Variant Classification Sherloc (09022015). Collection method: clinical testing. Allele origin: germline.